The following is an entry in ClinVar:

ClinVar aggregate classification (germline): Conflicting classifications of pathogenicity. Review status: criteria provided, conflicting classifications (1 of 4 stars). 3 submissions from 2 submitters: Uncertain significance (1); Benign (1); Likely benign (1). Last evaluated 2023-07-07.

Conditions:
Metaphyseal chondrodysplasia, Jansen type. Also called: Metaphyseal chondrodysplasia Murk Jansen type; PTH1R-Related Jansen Metaphyseal Chondrodysplasia. Identifiers: Orphanet 33067, MedGen C0265295, MONDO:0007982, OMIM 156400.
Chondrodysplasia Blomstrand type (BOCD). Identifiers: Orphanet 50945, MedGen C1859148, MONDO:0008970, OMIM 215045.

Allele frequency attached by ClinVar (database versions not stated): gnomAD 0.00001; ExAC 0.00004; gnomAD exomes 0.00004; TOPMed 0.00004.
gnomAD v4.1: 19 of 1,608,928 alleles (0.0012%); highest among the groups gnomAD compares: Middle Eastern, 0.021%; no homozygotes.

Submissions (3):

Labcorp Genetics (formerly Invitae), Labcorp
Classification: Likely benign. Last evaluated: 2023-07-07. Review status: criteria provided, single submitter. Criteria: Invitae Variant Classification Sherloc (09022015). Collection method: clinical testing. Allele origin: germline.

Illumina Laboratory Services, Illumina
Classification: Uncertain significance for Chondrodysplasia Blomstrand type. Last evaluated: 2018-03-30. Review status: criteria provided, single submitter. Criteria: ICSL Variant Classification Criteria 13 December 2019. Collection method: clinical testing. Allele origin: germline.

Illumina Laboratory Services, Illumina
Classification: Benign for Metaphyseal chondrodysplasia, Jansen type. Last evaluated: 2018-03-29. Review status: criteria provided, single submitter. Criteria: ICSL Variant Classification Criteria 13 December 2019. Collection method: clinical testing. Allele origin: germline.
Comment: This variant was observed in the ICSL laboratory as part of a predisposition screen in an ostensibly healthy population. It had not been previously curated by ICSL or reported in the Human Gene Mutation Database (HGMD: prior to June 1st, 2018), and was therefore a candidate for classification through an automated scoring system. Utilizing variant allele frequency, disease prevalence and penetrance estimates, and inheritance mode, an automated score was calculated to assess if this variant is too frequent to cause the disease. Based on the score and internal cut-off values, a variant classified as benign is not then subjected to further curation. The score for this variant resulted in a classification of benign for this disease.

NM_000316.3(PTH1R):c.1212-10G>A

Gene: PTH1R (parathyroid hormone 1 receptor; plus strand). Cytogenetic location: 3p21.31.
Variant type: single nucleotide variant.
Coding change: c.1212-10G>A on transcript NM_000316.3 (MANE Select); 10 bases into the intron before coding-DNA position 1212, G replaced by A.
Molecular consequence: intron variant.
Genome position (GRCh38, 1-based): chr3:46,902,516, G>A. VCF-style: chr3-46902516-G-A. GRCh37 (hg19) VCF-style: chr3-46944006-G-A.
Other names: c.1212-10G>A (NM_001184744.1).
Identifiers: ClinVar variation 733286 (VCV000733286.11), dbSNP rs202090342, ClinGen allele CA2359463.
Genomic context (GRCh38, chr3:46,902,516, plus strand): 5'-GTGGGGGGTGGCACAATGCTTGTTGAAGGGGAAGTGGCTTGGCCCTGACCTACCTGCCCC[G>A]CTGGCCCAGGAAGCTGCTCAAATCCACGCTGGTGCTCATGCCCCTCTTTGGCGTCCACTA-3'